The following is an entry in ClinVar:

ClinVar aggregate classification (germline): Uncertain significance (1 of 4 stars; one submission).

Submission:

Labcorp Genetics (formerly Invitae), Labcorp
Classification: Uncertain significance. Last evaluated: 2022-03-11. Review status: criteria provided, single submitter. Criteria: Invitae Variant Classification Sherloc (09022015). Collection method: clinical testing. Allele origin: germline.
Comment: In summary, the available evidence is currently insufficient to determine the role of this variant in disease. Therefore, it has been classified as a Variant of Uncertain Significance. Algorithms developed to predict the effect of missense changes on protein structure and function (SIFT, PolyPhen-2, Align-GVGD) all suggest that this variant is likely to be tolerated. This variant has not been reported in the literature in individuals affected with MPDZ-related conditions. This variant is not present in population databases (gnomAD no frequency). This sequence change replaces proline, which is neutral and non-polar, with alanine, which is neutral and non-polar, at codon 1282 of the MPDZ protein (p.Pro1282Ala).

NM_001378778.1(MPDZ):c.3844C>G (p.Pro1282Ala)

Gene: MPDZ (multiple PDZ domain crumbs cell polarity complex component; minus strand). Cytogenetic location: 9p23.
Variant type: single nucleotide variant.
Coding change: c.3844C>G on transcript NM_001378778.1 (MANE Select); coding-DNA position 3844, C replaced by G.
Protein change: p.Pro1282Ala; replaces proline 1282 with alanine.
Molecular consequence: missense variant.
Genome position (GRCh38, 1-based): chr9:13,140,146, G>C on the plus strand (C>G on the coding strand, the complement: MPDZ is on the minus strand). VCF-style: chr9-13140146-G-C. GRCh37 (hg19) VCF-style: chr9-13140145-G-C.
Other names: c.3745C>G, p.Pro1249Ala (NM_001261406.2, NM_001261407.2, NM_001375416.1 and 3 more transcripts); c.3844C>G, p.Pro1282Ala (NM_001330637.2, NM_001375413.1, NM_003829.5); c.3634C>G, p.Pro1212Ala (NM_001375420.1, NM_001375421.1, NM_001375422.1 and 4 more transcripts); c.3436C>G, p.Pro1146Ala (NM_001375427.1); short protein forms P1146A, P1212A, P1282A, P1249A.
Identifiers: ClinVar variation 2109491 (VCV002109491.2), dbSNP rs776309721, ClinGen allele CA372949792.